The following is an entry in ClinVar:

NM_006231.4(POLE):c.3053A>T (p.Tyr1018Phe)

Gene: POLE (DNA polymerase epsilon, catalytic subunit; minus strand). Cytogenetic location: 12q24.33.
Variant type: single nucleotide variant.
Coding change: c.3053A>T on transcript NM_006231.4 (MANE Select); coding-DNA position 3053, A replaced by T.
Protein change: p.Tyr1018Phe; replaces tyrosine 1018 with phenylalanine.
Molecular consequence: missense variant.
Genome position (GRCh38, 1-based): chr12:132,660,976, T>A on the plus strand (A>T on the coding strand, the complement: POLE is on the minus strand). VCF-style: chr12-132660976-T-A. GRCh37 (hg19) VCF-style: chr12-133237562-T-A.
Other names: c.3053A>T (NM_006231.2); short protein forms Y1018F.
Identifiers: ClinVar variation 1515550 (VCV001515550.9), dbSNP rs2042664871, ClinGen allele CA387392162.

ClinVar aggregate classification (germline): Uncertain significance. Review status: criteria provided, multiple submitters, no conflicts (2 of 4 stars). 2 submissions from 2 submitters: Uncertain significance (2). Last evaluated 2026-09-13.

Conditions:
Hereditary cancer-predisposing syndrome. Also called: Hereditary Cancer Syndrome; Tumor predisposition; Neoplastic Syndromes, Hereditary; Hereditary neoplastic syndrome. Identifiers: Orphanet 140162, MedGen C0027672, MeSH D009386, MONDO:0015356.

Submissions (2):

Ambry Genetics
Classification: Uncertain significance for Hereditary cancer-predisposing syndrome. Last evaluated: 2026-09-13. Review status: criteria provided, single submitter. Criteria: Ambry Variant Classification Scheme 2023. Collection method: clinical testing. Allele origin: germline.
Comment: The p.Y1018F variant (also known as c.3053A>T), located in coding exon 25 of the POLE gene, results from an A to T substitution at nucleotide position 3053. The tyrosine at codon 1018 is replaced by phenylalanine, an amino acid with highly similar properties. This amino acid position is conserved. In addition, this alteration is predicted to be tolerated by in silico analysis. Based on the available evidence, the clinical significance of this variant remains unclear.

Labcorp Genetics (formerly Invitae), Labcorp
Classification: Uncertain significance. Last evaluated: 2023-12-31. Review status: criteria provided, single submitter. Criteria: Invitae Variant Classification Sherloc (09022015). Collection method: clinical testing. Allele origin: germline.
Comment: This sequence change replaces tyrosine, which is neutral and polar, with phenylalanine, which is neutral and non-polar, at codon 1018 of the POLE protein (p.Tyr1018Phe). This variant is not present in population databases (gnomAD no frequency). This variant has not been reported in the literature in individuals affected with POLE-related conditions. ClinVar contains an entry for this variant (Variation ID: 1515550). Advanced modeling of protein sequence and biophysical properties (such as structural, functional, and spatial information, amino acid conservation, physicochemical variation, residue mobility, and thermodynamic stability) performed at Invitae indicates that this missense variant is not expected to disrupt POLE protein function with a negative predictive value of 80%. In summary, the available evidence is currently insufficient to determine the role of this variant in disease. Therefore, it has been classified as a Variant of Uncertain Significance.